The following is an entry in ClinVar:

NM_001424.6(EMP2):c.459C>A (p.Thr153=)

Gene: EMP2 (epithelial membrane protein 2; minus strand). Cytogenetic location: 16p13.13.
Variant type: single nucleotide variant.
Coding change: c.459C>A on transcript NM_001424.6 (MANE Select); coding-DNA position 459, C replaced by A.
Protein change: p.Thr153=; no amino-acid change (threonine 153 retained).
Molecular consequence: synonymous variant.
Genome position (GRCh38, 1-based): chr16:10,532,950, G>T on the plus strand (C>A on the coding strand, the complement: EMP2 is on the minus strand). VCF-style: chr16-10532950-G-T. GRCh37 (hg19) VCF-style: chr16-10626807-G-T.
Identifiers: ClinVar variation 3060612 (VCV003060612.2), dbSNP rs1370457855, ClinGen allele CA493557965.

ClinVar aggregate classification (germline): Likely benign (0 of 4 stars; one submission).

Conditions:
EMP2-related disorder. Also called: EMP2-related condition.

Allele frequency attached by ClinVar (database versions not stated): TOPMed 0.00002; gnomAD 0.00003.
gnomAD v4.1: 13 of 1,604,636 alleles (0.00081%); highest among the groups gnomAD compares: Admixed American, 0.0017%; no homozygotes.

Submission:

PreventionGenetics, part of Exact Sciences
Classification: Likely benign for EMP2-related condition. Last evaluated: 2022-12-19. Review status: no assertion criteria provided. Collection method: clinical testing. Allele origin: germline.
Comment: This variant is classified as likely benign based on ACMG/AMP sequence variant interpretation guidelines (Richards et al. 2015 PMID: 25741868, with internal and published modifications).